The following is an entry in ClinVar:

NM_001276309.3(NOL3):c.61G>C (p.Glu21Gln)

Gene: NOL3 (nucleolar protein 3; plus strand). Cytogenetic location: 16q22.1.
Variant type: single nucleotide variant.
Coding change: c.61G>C on transcript NM_001276309.3 (MANE Select); coding-DNA position 61, G replaced by C.
Protein change: p.Glu21Gln; replaces glutamic acid 21 with glutamine.
Molecular consequence: missense variant.
Genome position (GRCh38, 1-based): chr16:67,174,230, G>C. VCF-style: chr16-67174230-G-C. GRCh37 (hg19) VCF-style: chr16-67208133-G-C.
Other names: c.61G>C (NM_001276312.1); c.61G>C, p.Glu21Gln (NM_001185057.3, NM_001276307.3, NM_001276311.2 and 9 more transcripts); short protein forms E21Q.
Identifiers: ClinVar variation 39803 (VCV000039803.5), dbSNP rs397514600, ClinGen allele CA130568.

ClinVar aggregate classification (germline): Uncertain significance. Review status: criteria provided, multiple submitters, no conflicts (2 of 4 stars). 3 submissions from 3 submitters: Uncertain significance (2). 1 of the submissions does not count toward it. Last evaluated 2025-08-28.

Conditions:
NOL3-related disorder. Also called: NOL3-related condition.
Myoclonus, familial, 1 (MYOCL1). Also called: Familial cortical myoclonus. Identifiers: MedGen C3539916, MONDO:0100093, OMIM 614937.

Submissions (3):

PreventionGenetics, part of Exact Sciences
Classification: Uncertain significance for NOL3-related condition. Last evaluated: 2025-08-28. Review status: criteria provided, single submitter. Criteria: ACMG Guidelines, 2015. Collection method: clinical testing. Allele origin: germline.
Comment: The NOL3 c.61G>C variant is predicted to result in the amino acid substitution p.Glu21Gln. This variant has been reported to co-segregate with disease in multiple individuals from a family with cortical myoclonus (Russell et al. 2012. PubMed ID: 22926851). This variant has not been reported in a large population database (gnomAD), indicating it is rare. An in vitro experimental study suggests this variant affects post-translational modification of NOL3 protein in cells (Russell et al. 2012. PubMed ID: 22926851). Although we suspect this variant could be pathogenic, at this time, its clinical significance remains uncertain due to insufficient functional and genetic evidence.

Revvity Omics, Revvity
Classification: Uncertain significance for Myoclonus, familial, 1. Last evaluated: 2020-04-01. Review status: criteria provided, single submitter. Criteria: ACMG Guidelines, 2015. Collection method: clinical testing. Allele origin: germline.

OMIM
Classification: Pathogenic for MYOCLONUS, FAMILIAL, 1 (1 family). Last evaluated: 2012-08-01. Review status: no assertion criteria provided. Collection method: literature only. Allele origin: germline. Not counted in ClinVar's aggregate classification.

Literature cited by the submitters: PubMed 22926851 (cited by OMIM).